The following is an entry in ClinVar:

NM_152564.5(VPS13B):c.4337G>A (p.Arg1446Gln)

Gene: VPS13B (vacuolar protein sorting 13 homolog B; plus strand). Cytogenetic location: 8q22.2.
Variant type: single nucleotide variant.
Coding change: c.4337G>A on transcript NM_152564.5 (MANE Select); coding-DNA position 4337, G replaced by A.
Protein change: p.Arg1446Gln; replaces arginine 1446 with glutamine.
Molecular consequence: missense variant.
Genome position (GRCh38, 1-based): chr8:99,511,216, G>A. VCF-style: chr8-99511216-G-A. GRCh37 (hg19) VCF-style: chr8-100523444-G-A.
Other names: c.4412G>A, p.Arg1471Gln (NM_017890.5); short protein forms R1446Q, R1471Q.
Identifiers: ClinVar variation 2062393 (VCV002062393.3), dbSNP rs756140213, ClinGen allele CA4823521.

ClinVar aggregate classification (germline): Uncertain significance. Review status: criteria provided, multiple submitters, no conflicts (2 of 4 stars). 3 submissions from 3 submitters: Uncertain significance (3). Last evaluated 2025-10-06.

Conditions:
Cohen syndrome (COH1). Also called: Cutis verticis gyrata, retinitis pigmentosa, and sensorineural deafness; PEPPER SYNDROME. Identifiers: Orphanet 193, MedGen C0265223, MONDO:0008999, OMIM 216550.
VPS13B-related disorder. Also called: VPS13B-related condition.

Allele frequency attached by ClinVar (database versions not stated): ExAC 0.00001; gnomAD exomes 0.00004.
gnomAD v4.1: 64 of 1,614,014 alleles (0.004%); highest among the groups gnomAD compares: Admixed American, 0.0067%; no homozygotes.

Submissions (3):

PreventionGenetics, part of Exact Sciences
Classification: Uncertain significance for VPS13B-related condition. Last evaluated: 2025-10-06. Review status: criteria provided, single submitter. Criteria: ACMG Guidelines, 2015. Collection method: clinical testing. Allele origin: germline.
Comment: The VPS13B c.4337G>A variant is predicted to result in the amino acid substitution p.Arg1446Gln. To our knowledge, this variant has not been reported in the literature in individuals with VPS13B-related conditions. This variant is reported in 0.0054% of alleles in individuals of East Asian descent in gnomAD. At this time, the clinical significance of this variant is uncertain due to the absence of conclusive functional and genetic evidence.

Women's Health and Genetics/Laboratory Corporation of America, LabCorp
Classification: Uncertain significance. Last evaluated: 2023-02-14. Review status: criteria provided, single submitter. Criteria: LabCorp Variant Classification Summary - May 2015. Collection method: clinical testing. Allele origin: germline.
Comment: Variant summary: VPS13B c.4412G>A (p.Arg1471Gln) results in a conservative amino acid change in the encoded protein sequence. Three of five in-silico tools predict a benign effect of the variant on protein function. The variant allele was found at a frequency of 2.4e-05 in 251150 control chromosomes. The available data on variant occurrences in the general population are insufficient to allow any conclusion about variant significance. To our knowledge, no occurrence of c.4412G>A in individuals affected with Cohen Syndrome and no experimental evidence demonstrating its impact on protein function have been reported. One clinical diagnostic laboratory has submitted clinical-significance assessments for this variant to ClinVar after 2014 and classified the variant as uncertain significance. Based on the evidence outlined above, the variant was classified as uncertain significance.

Labcorp Genetics (formerly Invitae), Labcorp
Classification: Uncertain significance for Cohen syndrome. Last evaluated: 2022-09-01. Review status: criteria provided, single submitter. Criteria: Invitae Variant Classification Sherloc (09022015). Collection method: clinical testing. Allele origin: germline.
Comment: This sequence change replaces arginine, which is basic and polar, with glutamine, which is neutral and polar, at codon 1471 of the VPS13B protein (p.Arg1471Gln). This variant is present in population databases (rs756140213, gnomAD 0.006%). This variant has not been reported in the literature in individuals affected with VPS13B-related conditions. Algorithms developed to predict the effect of missense changes on protein structure and function are either unavailable or do not agree on the potential impact of this missense change (SIFT: "Not Available"; PolyPhen-2: "Probably Damaging"; Align-GVGD: "Not Available"). In summary, the available evidence is currently insufficient to determine the role of this variant in disease. Therefore, it has been classified as a Variant of Uncertain Significance.